The following is an entry in ClinVar:

ClinVar aggregate classification (germline): Pathogenic (1 of 4 stars; one submission).

Conditions:
Early-infantile DEE. Also called: Early infantile epileptic encephalopathy; Ohtahara syndrome; Early infantile epileptic encephalopathy with suppression bursts. Identifiers: Orphanet 1934, MedGen C0393706, MONDO:0800491.

Submission:

Labcorp Genetics (formerly Invitae), Labcorp
Classification: Pathogenic for Early-infantile DEE. Last evaluated: 2023-10-03. Review status: criteria provided, single submitter. Criteria: Invitae Variant Classification Sherloc (09022015). Collection method: clinical testing. Allele origin: germline.
Comment: This sequence change replaces glutamic acid, which is acidic and polar, with lysine, which is basic and polar, at codon 1708 of the SCN1A protein (p.Glu1708Lys). This variant is not present in population databases (gnomAD no frequency). This missense change has been observed in individual(s) with clinical features of SCN1A-related conditions (Invitae). In at least one individual the variant was observed to be de novo. ClinVar contains an entry for this variant (Variation ID: 2062795). Advanced modeling of protein sequence and biophysical properties (such as structural, functional, and spatial information, amino acid conservation, physicochemical variation, residue mobility, and thermodynamic stability) performed at Invitae indicates that this missense variant is expected to disrupt SCN1A protein function. For these reasons, this variant has been classified as Pathogenic.

NM_001165963.4(SCN1A):c.5122G>A (p.Glu1708Lys)

Genes: SCN1A (sodium voltage-gated channel alpha subunit 1; minus strand), LOC102724058 (uncharacterized LOC102724058; plus strand). Cytogenetic location: 2q24.3.
Variant type: single nucleotide variant.
Coding change: c.5122G>A on transcript NM_001165963.4 (MANE Select); coding-DNA position 5122, G replaced by A.
Protein change: p.Glu1708Lys; replaces glutamic acid 1708 with lysine.
Molecular consequence: missense variant. On other transcripts: non-coding transcript variant (1).
Genome position (GRCh38, 1-based): chr2:165,992,153, C>T on the plus strand (G>A on the coding strand, the complement: SCN1A is on the minus strand). VCF-style: chr2-165992153-C-T. GRCh37 (hg19) VCF-style: chr2-166848663-C-T.
Other names: c.5086G>A, p.Glu1696Lys (NM_001353955.2, NM_001353954.2); c.5038G>A, p.Glu1680Lys (NM_001353957.2, NM_001353958.2, NM_001165964.3); c.5035G>A, p.Glu1679Lys (NM_001353960.2); c.2680G>A, p.Glu894Lys (NM_001353961.2); c.5089G>A, p.Glu1697Lys (NM_006920.6, NM_001353949.2, NM_001353950.2 and 2 more transcripts); c.5122G>A, p.Glu1708Lys (NM_001202435.3, NM_001353948.2); short protein forms E1680K, E1696K, E1697K, E1679K, E894K, E1708K.
Identifiers: ClinVar variation 2062795 (VCV002062795.4), dbSNP rs2468337184, ClinGen allele CA349069091.
Genomic context (GRCh38, chr2:165,992,153, plus strand): 5'-CATCCCAGCCAGCAGAGGTTGTAATTTGGAATAGGCAGATCATGCTGTTGCCAAAGGTCT[C>T]AAAGTTGAACATGTCATCGATCCCAACTTCCCTCTTAACATAGGCAAAGTTGGACATCCC-3'
Protein context (NP_001159435.1, residues 1698-1718): EVGIDDMFNF[Glu1708Lys]TFGNSMICLF